The following is an entry in ClinVar:

ClinVar aggregate classification (germline): Uncertain significance (1 of 4 stars; one submission).

Conditions:
Congenital muscular dystrophy due to integrin alpha-7 deficiency. Also called: MYOPATHY, CONGENITAL, DUE TO INTEGRIN ALPHA-7 DEFICIENCY; Congenital muscular dystrophy with integrin alpha-7 deficiency; Muscular dystrophy, congenital, due to ITGA7 deficiency. Identifiers: Orphanet 34520, MedGen C2750786, MONDO:0013177, OMIM 613204.

Allele frequency attached by ClinVar (database versions not stated): gnomAD exomes below 0.00001; TOPMed below 0.00001.
gnomAD v4.1: 2 of 1,614,154 alleles (0.00012%); highest among the groups gnomAD compares: Admixed American, 0.0017%; no homozygotes.

Submission:

Labcorp Genetics (formerly Invitae), Labcorp
Classification: Uncertain significance for Congenital muscular dystrophy due to integrin alpha-7 deficiency. Last evaluated: 2022-08-31. Review status: criteria provided, single submitter. Criteria: Invitae Variant Classification Sherloc (09022015). Collection method: clinical testing. Allele origin: germline.
Comment: This sequence change replaces proline, which is neutral and non-polar, with serine, which is neutral and polar, at codon 493 of the ITGA7 protein (p.Pro493Ser). This variant is present in population databases (no rsID available, gnomAD 0.003%). This variant has not been reported in the literature in individuals affected with ITGA7-related conditions. ClinVar contains an entry for this variant (Variation ID: 1447748). Algorithms developed to predict the effect of missense changes on protein structure and function are either unavailable or do not agree on the potential impact of this missense change (SIFT: "Tolerated"; PolyPhen-2: "Possibly Damaging"; Align-GVGD: "Class C0"). In summary, the available evidence is currently insufficient to determine the role of this variant in disease. Therefore, it has been classified as a Variant of Uncertain Significance.

NM_002206.3(ITGA7):c.1477C>T (p.Pro493Ser)

Gene: ITGA7 (integrin subunit alpha 7; minus strand). Cytogenetic location: 12q13.2.
Variant type: single nucleotide variant.
Coding change: c.1477C>T on transcript NM_002206.3 (MANE Select); coding-DNA position 1477, C replaced by T.
Protein change: p.Pro493Ser; replaces proline 493 with serine.
Molecular consequence: missense variant.
Genome position (GRCh38, 1-based): chr12:55,697,479, G>A on the plus strand (C>T on the coding strand, the complement: ITGA7 is on the minus strand). VCF-style: chr12-55697479-G-A. GRCh37 (hg19) VCF-style: chr12-56091263-G-A.
Other names: c.1489C>T, p.Pro497Ser (NM_001144996.2, NM_001414029.1); c.1198C>T, p.Pro400Ser (NM_001144997.2); c.1150C>T, p.Pro384Ser (NM_001367993.1); c.133C>T, p.Pro45Ser (NM_001367994.1); c.1477C>T, p.Pro493Ser (NM_001374465.1, NM_001414034.1); c.1609C>T, p.Pro537Ser (NM_001410977.1); c.1402C>T, p.Pro468Ser (NM_001414030.1); c.1390C>T, p.Pro464Ser (NM_001414031.1); and 3 more; short protein forms P400S, P45S, P493S, P384S, P497S, P537S, P432S, P453S.
Identifiers: ClinVar variation 1447748 (VCV001447748.4), dbSNP rs947331149, ClinGen allele CA237572377.